The following is an entry in ClinVar:

NM_016952.6(CDON):c.-62+1G>A

Genes: CDON (cell adhesion associated, oncogene regulated; minus strand), LOC130007022 (ATAC-STARR-seq lymphoblastoid silent region 4046; plus strand). Cytogenetic location: 11q24.2.
Variant type: single nucleotide variant.
Coding change: c.-62+1G>A on transcript NM_016952.6; the canonical splice donor site of the intron after 62 bases upstream of the start codon, G replaced by A.
Molecular consequence: splice donor variant. On other transcripts: intron variant (1).
Genome position (GRCh38, 1-based): chr11:126,063,225, C>T on the plus strand (G>A on the coding strand, the complement: CDON is on the minus strand). VCF-style: chr11-126063225-C-T. GRCh37 (hg19) VCF-style: chr11-125933120-C-T.
Other names: c.-62+47G>A (NM_001441166.1); c.-62+1G>A (NM_001243597.3).
Identifiers: ClinVar variation 3776625 (VCV003776625.1).
Genomic context (GRCh38, chr11:126,063,225, plus strand): 5'-CCAGGGGAGCATAGAAGAGGCTTTTCTTGGGTGTAGGACAGGTAAGGGTGAGTTGCCTTA[C>T]CAAGTCACGGAGATTCCCATCATGCCTGCACTCACGCTCCCCTCACCTTTCATTCCCTTG-3'

ClinVar aggregate classification (germline): Uncertain significance (1 of 4 stars; one submission).

Submission:

GeneDx
Classification: Uncertain significance. Last evaluated: 2024-10-06. Review status: criteria provided, single submitter. Criteria: GeneDx Variant Classification Process June 2021. Collection method: clinical testing. Allele origin: germline. Affected: yes.
Comment: In silico analysis supports a deleterious effect on splicing; Has not been previously published as pathogenic or benign to our knowledge; No data available from control populations to assess the frequency of this variant; Located in a regulatory region; in the absence of functional studies, the actual effect of this sequence change is unknown